The following is an entry in ClinVar:

NM_138694.4(PKHD1):c.1833A>C (p.Thr611=)

Gene: PKHD1 (PKHD1 ciliary IPT domain containing fibrocystin/polyductin; minus strand). Cytogenetic location: 6p12.2.
Variant type: single nucleotide variant.
Coding change: c.1833A>C on transcript NM_138694.4 (MANE Select); coding-DNA position 1833, A replaced by C.
Protein change: p.Thr611=; no amino-acid change (threonine 611 retained).
Molecular consequence: synonymous variant.
Genome position (GRCh38, 1-based): chr6:52,055,590, T>G on the plus strand (A>C on the coding strand, the complement: PKHD1 is on the minus strand). VCF-style: chr6-52055590-T-G. GRCh37 (hg19) VCF-style: chr6-51920388-T-G.
Other names: c.1833A>C, p.Thr611= (NM_170724.3).
Identifiers: ClinVar variation 595086 (VCV000595086.16), dbSNP rs142922408, ClinGen allele CA3853430.

ClinVar aggregate classification (germline): Conflicting classifications of pathogenicity. Review status: criteria provided, conflicting classifications (1 of 4 stars). 3 submissions from 3 submitters: Uncertain significance (1); Likely benign (1). 1 of the submissions does not count toward it. Last evaluated 2025-08-20.

Conditions:
PKHD1-related disorder. Also called: PKHD1-related condition.
Autosomal recessive polycystic kidney disease (ARPKD). Also called: AR polycystic kidney disease. Identifiers: Orphanet 731, Orphanet 8378, MedGen C0085548, MeSH D017044, MONDO:0009889.

Allele frequency attached by ClinVar (database versions not stated): ExAC 0.00005; gnomAD exomes 0.00006 and 0.00017; TOPMed 0.00007; gnomAD 0.00008; ESP Exome Variant Server 0.00023.
gnomAD v4.1: 263 of 1,613,856 alleles (0.016%); highest among the groups gnomAD compares: Non-Finnish European, 0.021%; no homozygotes.

Submissions (3):

Labcorp Genetics (formerly Invitae), Labcorp
Classification: Likely benign for Autosomal recessive polycystic kidney disease. Last evaluated: 2025-08-20. Review status: criteria provided, single submitter. Criteria: Invitae Variant Classification Sherloc (09022015). Collection method: clinical testing. Allele origin: germline.

Eurofins Ntd Llc (ga)
Classification: Uncertain significance. Last evaluated: 2017-11-20. Review status: criteria provided, single submitter. Criteria: EGL Classification Definitions 2015. Collection method: clinical testing. Allele origin: germline. Observed: 2 variant alleles, 2 heterozygotes.

PreventionGenetics, part of Exact Sciences
Classification: Likely benign for PKHD1-related condition. Last evaluated: 2020-10-12. Review status: no assertion criteria provided. Collection method: clinical testing. Allele origin: germline. Not counted in ClinVar's aggregate classification.
Comment: This variant is classified as likely benign based on ACMG/AMP sequence variant interpretation guidelines (Richards et al. 2015 PMID: 25741868, with internal and published modifications).